The following is an entry in ClinVar:

ClinVar aggregate classification (germline): Uncertain significance (1 of 4 stars; one submission).

Conditions:
Familial episodic pain syndrome with predominantly lower limb involvement. Also called: Episodic pain syndrome, familial, 3. Identifiers: Orphanet 391384, Orphanet 391392, MedGen C3809899, MONDO:0014247, OMIM 615552.
Hereditary sensory and autonomic neuropathy type 7. Also called: Neuropathy, hereditary sensory and autonomic, type VII; HSAN VII. Identifiers: Orphanet 391397, MedGen C3809882, MONDO:0014244, OMIM 615548.

Allele frequency attached by ClinVar (database versions not stated): gnomAD exomes below 0.00001.
gnomAD v4.1: 3 of 1,614,088 alleles (0.00019%); highest among the groups gnomAD compares: Middle Eastern, 0.016%; no homozygotes.

Submission:

Labcorp Genetics (formerly Invitae), Labcorp
Classification: Uncertain significance for Familial episodic pain syndrome with predominantly lower limb involvement; Hereditary sensory and autonomic neuropathy type 7. Last evaluated: 2018-02-23. Review status: criteria provided, single submitter. Criteria: Invitae Variant Classification Sherloc (09022015). Collection method: clinical testing. Allele origin: germline.
Comment: In summary, the available evidence is currently insufficient to determine the role of this variant in disease. Therefore, it has been classified as a Variant of Uncertain Significance. Algorithms developed to predict the effect of missense changes on protein structure and function output the following: SIFT: "Tolerated"; PolyPhen-2: "Benign"; Align-GVGD: "Class C0". The threonine amino acid residue is found in multiple mammalian species, suggesting that this missense change does not adversely affect protein function. These predictions have not been confirmed by published functional studies and their clinical significance is uncertain. This variant has not been reported in the literature in individuals with SCN11A-related disease. This variant is not present in population databases (ExAC no frequency). This sequence change replaces methionine with threonine at codon 885 of the SCN11A protein (p.Met885Thr). The methionine residue is weakly conserved and there is a moderate physicochemical difference between methionine and threonine.

NM_001349253.2(SCN11A):c.2654T>C (p.Met885Thr)

Gene: SCN11A (sodium voltage-gated channel alpha subunit 11; minus strand). Cytogenetic location: 3p22.2.
Variant type: single nucleotide variant.
Coding change: c.2654T>C on transcript NM_001349253.2 (MANE Select); coding-DNA position 2654, T replaced by C.
Protein change: p.Met885Thr; replaces methionine 885 with threonine.
Molecular consequence: missense variant.
Genome position (GRCh38, 1-based): chr3:38,894,714, A>G on the plus strand (T>C on the coding strand, the complement: SCN11A is on the minus strand). VCF-style: chr3-38894714-A-G. GRCh37 (hg19) VCF-style: chr3-38936205-A-G.
Other names: c.2654T>C, p.Met885Thr (NM_014139.3); short protein forms M885T.
Identifiers: ClinVar variation 570264 (VCV000570264.5), dbSNP rs1559513522, ClinGen allele CA352174671.